The following is an entry in ClinVar:

NM_001903.5(CTNNA1):c.1363A>G (p.Ser455Gly)

Gene: CTNNA1 (catenin alpha 1; plus strand). Cytogenetic location: 5q31.2.
Variant type: single nucleotide variant.
Coding change: c.1363A>G on transcript NM_001903.5 (MANE Select); coding-DNA position 1363, A replaced by G.
Protein change: p.Ser455Gly; replaces serine 455 with glycine.
Molecular consequence: missense variant. On other transcripts: 5 prime UTR variant (4), intron variant (3).
Genome position (GRCh38, 1-based): chr5:138,904,415, A>G. VCF-style: chr5-138904415-A-G. GRCh37 (hg19) VCF-style: chr5-138240104-A-G.
Other names: c.253A>G, p.Ser85Gly (NM_001323993.1, NM_001323994.1, NM_001323995.1 and 17 more transcripts); c.1363A>G, p.Ser455Gly (NM_001290307.3, NM_001323982.2, NM_001323983.1 and 2 more transcripts); c.1054A>G, p.Ser352Gly (NM_001290309.3); c.994A>G, p.Ser332Gly (NM_001290310.3); c.-145A>G (NM_001324006.1, NM_001324007.1, NM_001324008.1 and 1 more transcripts); c.10A>G, p.Ser4Gly (NM_001324012.1, NM_001324013.1); c.1297-13327A>G (NM_001323986.2); c.187-13327A>G (NM_001324011.1); and 1 more; short protein forms S4G, S85G, S455G, S332G, S352G.
Identifiers: ClinVar variation 1483858 (VCV001483858.6), dbSNP rs2150140643, ClinGen allele CA361135997.

ClinVar aggregate classification (germline): Uncertain significance (1 of 4 stars; one submission).

Submission:

Labcorp Genetics (formerly Invitae), Labcorp
Classification: Uncertain significance. Last evaluated: 2024-06-24. Review status: criteria provided, single submitter. Criteria: Invitae Variant Classification Sherloc (09022015). Collection method: clinical testing. Allele origin: germline.
Comment: This sequence change replaces serine, which is neutral and polar, with glycine, which is neutral and non-polar, at codon 455 of the CTNNA1 protein (p.Ser455Gly). This variant is not present in population databases (gnomAD no frequency). This variant has not been reported in the literature in individuals affected with CTNNA1-related conditions. ClinVar contains an entry for this variant (Variation ID: 1483858). Advanced modeling of protein sequence and biophysical properties (such as structural, functional, and spatial information, amino acid conservation, physicochemical variation, residue mobility, and thermodynamic stability) performed at Invitae indicates that this missense variant is not expected to disrupt CTNNA1 protein function with a negative predictive value of 80%. In summary, the available evidence is currently insufficient to determine the role of this variant in disease. Therefore, it has been classified as a Variant of Uncertain Significance.